The following is an entry in ClinVar:

ClinVar aggregate classification (germline): Uncertain significance (1 of 4 stars; one submission).

Submission:

CeGaT Center for Human Genetics Tuebingen
Classification: Uncertain significance. Last evaluated: 2025-10-01. Review status: criteria provided, single submitter. Criteria: CeGaT Center For Human Genetics Tuebingen Variant Classification Criteria Version 2. Collection method: clinical testing. Allele origin: germline. Affected: yes. Observed: 1 variant allele.
Comment: SMARCA1: PM2

NM_001282874.2(SMARCA1):c.2500A>G (p.Lys834Glu)

Gene: SMARCA1 (SNF2 related chromatin remodeling ATPase 1; minus strand). Cytogenetic location: Xq25.
Variant type: single nucleotide variant.
Coding change: c.2500A>G on transcript NM_001282874.2 (MANE Select); coding-DNA position 2500, A replaced by G.
Protein change: p.Lys834Glu; replaces lysine 834 with glutamic acid.
Molecular consequence: missense variant.
Genome position (GRCh38, 1-based): chrX:129,471,269, T>C on the plus strand (A>G on the coding strand, the complement: SMARCA1 is on the minus strand). VCF-style: chrX-129471269-T-C. GRCh37 (hg19) VCF-style: chrX-128605246-T-C.
Other names: c.2464A>G, p.Lys822Glu (NM_001282875.2, NM_001378262.1, NM_001378263.1 and 1 more transcripts); c.2500A>G, p.Lys834Glu (NM_001378261.1, NM_003069.5); short protein forms K822E, K834E.
Identifiers: ClinVar variation 4534849 (VCV004534849.6).